The following is an entry in ClinVar:

ClinVar aggregate classification (germline): Uncertain significance (1 of 4 stars; one submission).

Allele frequency attached by ClinVar (database versions not stated): ExAC 0.00003.
gnomAD v4.1: 1 of 1,587,720 alleles (0.000063%); highest among the groups gnomAD compares: Non-Finnish European, 0.000086%; no homozygotes.

Submission:

Labcorp Genetics (formerly Invitae), Labcorp
Classification: Uncertain significance. Last evaluated: 2022-06-27. Review status: criteria provided, single submitter. Criteria: Invitae Variant Classification Sherloc (09022015). Collection method: clinical testing. Allele origin: germline.
Comment: In summary, the available evidence is currently insufficient to determine the role of this variant in disease. Therefore, it has been classified as a Variant of Uncertain Significance. Algorithms developed to predict the effect of missense changes on protein structure and function are either unavailable or do not agree on the potential impact of this missense change (SIFT: "Not Available"; PolyPhen-2: "Benign"; Align-GVGD: "Not Available"). This variant has not been reported in the literature in individuals affected with TULP1-related conditions. This variant is present in population databases (rs773954670, gnomAD 0.001%). This sequence change replaces valine, which is neutral and non-polar, with aspartic acid, which is acidic and polar, at codon 87 of the TULP1 protein (p.Val87Asp).

NM_003322.6(TULP1):c.260T>A (p.Val87Asp)

Gene: TULP1 (TUB like protein 1; minus strand). Cytogenetic location: 6p21.31.
Variant type: single nucleotide variant.
Coding change: c.260T>A on transcript NM_003322.6 (MANE Select); coding-DNA position 260, T replaced by A.
Protein change: p.Val87Asp; replaces valine 87 with aspartic acid.
Molecular consequence: missense variant. On other transcripts: intron variant (1).
Genome position (GRCh38, 1-based): chr6:35,511,737, A>T on the plus strand (T>A on the coding strand, the complement: TULP1 is on the minus strand). VCF-style: chr6-35511737-A-T. GRCh37 (hg19) VCF-style: chr6-35479514-A-T.
Other names: c.190+443T>A (NM_001289395.2); short protein forms V87D.
Identifiers: ClinVar variation 1402157 (VCV001402157.8), dbSNP rs773954670, ClinGen allele CA3772976.